The following is an entry in ClinVar:

NM_032383.5(HPS3):c.2589+1G>C

Genes: CP (ceruloplasmin; minus strand), HPS3 (HPS3 biogenesis of lysosomal organelles complex 2 subunit 1; plus strand). Cytogenetic location: 3q24.
Variant type: single nucleotide variant.
Coding change: c.2589+1G>C on transcript NM_032383.5 (MANE Select); the canonical splice donor site of the intron after coding-DNA position 2589, G replaced by C.
Molecular consequence: splice donor variant.
Genome position (GRCh38, 1-based): chr3:149,163,950, G>C. VCF-style: chr3-149163950-G-C. GRCh37 (hg19) VCF-style: chr3-148881737-G-C.
Other names: 2729+1G-C; c.2094+1G>C (NM_001308258.2); c.2589+1G>C (NM_032383.4).
Identifiers: ClinVar variation 4612 (VCV000004612.14), dbSNP rs281865095, ClinGen allele CA340272.

ClinVar aggregate classification (germline): Pathogenic/Likely pathogenic. Review status: criteria provided, multiple submitters, no conflicts (2 of 4 stars). 7 submissions from 7 submitters: Pathogenic (3); Likely pathogenic (3). 1 of the submissions does not count toward it. Last evaluated 2025-12-10.

Conditions:
HPS3-related disorder. Also called: HPS3-related condition.
Hermansky-Pudlak syndrome (HPS). Also called: ALBINISM WITH HEMORRHAGIC DIATHESIS AND PIGMENTED RETICULOENDOTHELIAL CELLS. Identifiers: Orphanet 79430, MedGen C0079504, MONDO:0019312.
Hermansky-Pudlak syndrome 3 (HPS3). Identifiers: Orphanet 231512, Orphanet 79430, MedGen C3888001, MONDO:0013555, OMIM 614072.

gnomAD v4.1: 14 of 1,409,456 alleles (0.00099%); highest among the groups gnomAD compares: Non-Finnish European, 0.0014%; no homozygotes.

Submissions (7):

Labcorp Genetics (formerly Invitae), Labcorp
Classification: Pathogenic. Last evaluated: 2025-12-10. Review status: criteria provided, single submitter. Criteria: Invitae Variant Classification Sherloc (09022015). Collection method: clinical testing. Allele origin: germline.
Comment: This sequence change affects a donor splice site in intron 14 of the HPS3 gene. It is expected to disrupt RNA splicing. Variants that disrupt the donor or acceptor splice site typically lead to a loss of protein function (PMID: 16199547), and loss-of-function variants in HPS3 are known to be pathogenic (PMID: 11590544). This variant is present in population databases (rs281865095, gnomAD 0.0009%). Disruption of this splice site has been observed in individual(s) with Hermansky-Pudlak syndrome (PMID: 11590544). In at least one individual the data is consistent with being in trans (on the opposite chromosome) from a pathogenic variant. This variant is also known as 2729+1G>C. ClinVar contains an entry for this variant (Variation ID: 4612). Algorithms developed to predict the effect of sequence changes on RNA splicing suggest that this variant may disrupt the consensus splice site. For these reasons, this variant has been classified as Pathogenic.

Myriad Genetics, Inc.
Classification: Likely pathogenic for Hermansky-Pudlak syndrome 3. Last evaluated: 2025-09-24. Review status: criteria provided, single submitter. Criteria: Myriad Autosomal Dominant, Autosomal Recessive and X-Linked Classification Criteria (2023). Collection method: clinical testing. Allele origin: unknown.
Comment: NM_032383.3(HPS3):c.2589+1G>C is a variant in a canonical splice site classified as likely pathogenic in the context of Hermansky-Pudlak syndrome, HPS3-related. c.2589+1G>C has been observed in a case with relevant disease (PMID: 11590544). Relevant functional assessments of this variant are not available in the literature. c.2589+1G>C has been observed in referenced population frequency databases. In summary, NM_032383.3(HPS3):c.2589+1G>C is a variant in a canonical splice site that has been observed more frequently in cases with the relevant disease than in healthy populations. Please note: this variant was assessed in the context of healthy population screening.

PreventionGenetics, part of Exact Sciences
Classification: Pathogenic for HPS3-related condition. Last evaluated: 2025-02-08. Review status: criteria provided, single submitter. Criteria: ACMG Guidelines, 2015. Collection method: clinical testing. Allele origin: germline.
Comment: The HPS3 c.2589+1G>C variant is predicted to disrupt the GT donor site and interfere with normal splicing. This variant has been reported in the compound heterozygous state in an individual with Hermansky-Pudlak syndrome (Huizing et al. 2001. PubMed ID: 11590544). This variant is reported in 0.00090% of alleles in individuals of European (Non-Finnish) descent in gnomAD. Variants that disrupt the consensus splice donor site in HPS3 are expected to be pathogenic. This variant is interpreted as pathogenic.

Natera, Inc.
Classification: Likely pathogenic for Hermansky-Pudlak syndrome. Last evaluated: 2024-08-29. Review status: criteria provided, single submitter. Criteria: Natera Variant Classification Schema (03/2026). Collection method: clinical testing. Allele origin: germline.
Comment: The c.2589+1G>C variant in HPS3 is a canonical splice donor site variant predicted to affect pre-mRNA splicing, which may result in an abnormal transcript and altered protein product. This variant may result in a truncated or dysfunctional protein product. This variant is rare in the general population with a frequency below the threshold expected for the associated phenotype(s). This variant has been observed in one or more individuals affected with the associated recessive disease, as either homozygous or compound heterozygous with a second variant (PMID: 11590544). Functional studies show that this variant may disrupt protein function (PMID: 11590544). Given the available evidence, this variant is classified as Likely Pathogenic.

Fulgent Genetics
Classification: Likely pathogenic for Hermansky-Pudlak syndrome 3. Last evaluated: 2024-02-19. Review status: criteria provided, single submitter. Criteria: ACMG Guidelines, 2015. Collection method: clinical testing. Allele origin: germline.

Baylor Genetics
Classification: Pathogenic for Hermansky-Pudlak syndrome 3. Last evaluated: 2024-01-16. Review status: criteria provided, single submitter. Criteria: ACMG Guidelines, 2015. Collection method: clinical testing. Allele origin: unknown.

OMIM
Classification: Pathogenic for HERMANSKY-PUDLAK SYNDROME 3. Last evaluated: 2001-11-01. Review status: no assertion criteria provided. Collection method: literature only. Allele origin: germline. Not counted in ClinVar's aggregate classification.

Literature cited by the submitters: PubMed 16199547 (cited by Labcorp Genetics (formerly Invitae), Labcorp); PubMed 11590544 (cited by 4 submitters).